The following is an entry in ClinVar:

NM_002437.5(MPV17):c.462-21_462-20inv

Gene: MPV17 (mitochondrial inner membrane protein MPV17; minus strand). Cytogenetic location: 2p23.3.
Variant type: Inversion.
Coding change: c.462-21_462-20inv on transcript NM_002437.5 (MANE Select).
Molecular consequence: intron variant.
Genome position: GRCh38 VCF-style: chr2-27310001-CA-TG. GRCh37 (hg19) VCF-style: chr2-27532869-CA-TG.
Identifiers: ClinVar variation 2170585 (VCV002170585.1), ClinGen allele CA2580066271.

ClinVar aggregate classification (germline): Uncertain significance (1 of 4 stars; one submission).

Submission:

Labcorp Genetics (formerly Invitae), Labcorp
Classification: Uncertain significance. Last evaluated: 2022-06-24. Review status: criteria provided, single submitter. Criteria: Invitae Variant Classification Sherloc (09022015). Collection method: clinical testing. Allele origin: germline.
Comment: This sequence change falls in intron 7 of the MPV17 gene. It does not directly change the encoded amino acid sequence of the MPV17 protein. Information on the frequency of this variant in the gnomAD database is not available, as this variant may be reported differently in the database. This variant has not been reported in the literature in individuals affected with MPV17-related conditions. Experimental studies and prediction algorithms are not available or were not evaluated, and the effect of this variant on mRNA splicing is currently unknown. In summary, the available evidence is currently insufficient to determine the role of this variant in disease. Therefore, it has been classified as a Variant of Uncertain Significance.